The following is an entry in ClinVar:

ClinVar aggregate classification (germline): Uncertain significance (1 of 4 stars; one submission).

Submission:

Labcorp Genetics (formerly Invitae), Labcorp
Classification: Uncertain significance. Last evaluated: 2022-08-09. Review status: criteria provided, single submitter. Criteria: Invitae Variant Classification Sherloc (09022015). Collection method: clinical testing. Allele origin: germline.
Comment: In summary, the available evidence is currently insufficient to determine the role of this variant in disease. Therefore, it has been classified as a Variant of Uncertain Significance. Algorithms developed to predict the effect of missense changes on protein structure and function (SIFT, PolyPhen-2, Align-GVGD) all suggest that this variant is likely to be tolerated. ClinVar contains an entry for this variant (Variation ID: 1465829). This variant has not been reported in the literature in individuals affected with ERCC2-related conditions. This variant is not present in population databases (gnomAD no frequency). This sequence change replaces asparagine, which is neutral and polar, with lysine, which is basic and polar, at codon 590 of the ERCC2 protein (p.Asn590Lys).

NM_000400.4(ERCC2):c.1770T>A (p.Asn590Lys)

Gene: ERCC2 (ERCC excision repair 2, TFIIH core complex helicase subunit; minus strand). Cytogenetic location: 19q13.32.
Variant type: single nucleotide variant.
Coding change: c.1770T>A on transcript NM_000400.4 (MANE Select); coding-DNA position 1770, T replaced by A.
Protein change: p.Asn590Lys; replaces asparagine 590 with lysine.
Molecular consequence: missense variant.
Genome position (GRCh38, 1-based): chr19:45,353,144, A>T on the plus strand (T>A on the coding strand, the complement: ERCC2 is on the minus strand). VCF-style: chr19-45353144-A-T. GRCh37 (hg19) VCF-style: chr19-45856402-A-T.
Other names: short protein forms N590K.
Identifiers: ClinVar variation 1465829 (VCV001465829.6), dbSNP rs2123228299, ClinGen allele CA406364222.
Genomic context (GRCh38, chr19:45,353,144, plus strand): 5'-AAAGTCGATTCCCTCGGACACTTTGCCCCGGGCCACTGACAGCAGGATGGCCCCGCGGCC[A>T]TTCTCGCAGGCCTGAGGTGGGGAGACCGAGACGCAAGTTAGGTCACTCCTCAGAGCCACC-3'
Protein context (NP_000391.1, residues 580-600): ALEKYQEACE[Asn590Lys]GRGAILLSVA